The following is an entry in ClinVar:

NM_001330.5(CTF1):c.475G>T (p.Ala159Ser)

Genes: CTF1 (cardiotrophin 1; plus strand), LOC130058878 (ATAC-STARR-seq lymphoblastoid silent region 7400; plus strand). Cytogenetic location: 16p11.2.
Variant type: single nucleotide variant.
Coding change: c.475G>T on transcript NM_001330.5 (MANE Select); coding-DNA position 475, G replaced by T.
Protein change: p.Ala159Ser; replaces alanine 159 with serine.
Molecular consequence: missense variant. On other transcripts: non-coding transcript variant (1).
Genome position (GRCh38, 1-based): chr16:30,902,408, G>T. VCF-style: chr16-30902408-G-T. GRCh37 (hg19) VCF-style: chr16-30913729-G-T.
Other names: c.472G>T, p.Ala158Ser (NM_001142544.3); short protein forms A158S, A159S.
Identifiers: ClinVar variation 1058314 (VCV001058314.9), dbSNP rs1377343246, ClinGen allele CA395619347.

ClinVar aggregate classification (germline): Uncertain significance (1 of 4 stars; one submission).

Allele frequency attached by ClinVar (database versions not stated): gnomAD exomes below 0.00001; gnomAD 0.00001; TOPMed 0.00001; 1000 Genomes Project 30x 0.00016.

Submission:

Labcorp Genetics (formerly Invitae), Labcorp
Classification: Uncertain significance. Last evaluated: 2022-07-27. Review status: criteria provided, single submitter. Criteria: Invitae Variant Classification Sherloc (09022015). Collection method: clinical testing. Allele origin: germline.
Comment: In summary, the available evidence is currently insufficient to determine the role of this variant in disease. Therefore, it has been classified as a Variant of Uncertain Significance. Algorithms developed to predict the effect of missense changes on protein structure and function output the following: SIFT: "Tolerated"; PolyPhen-2: "Possibly Damaging"; Align-GVGD: "Class C0". The serine amino acid residue is found in multiple mammalian species, which suggests that this missense change does not adversely affect protein function. ClinVar contains an entry for this variant (Variation ID: 1058314). This variant has not been reported in the literature in individuals affected with CTF1-related conditions. This variant is not present in population databases (gnomAD no frequency). This sequence change replaces alanine, which is neutral and non-polar, with serine, which is neutral and polar, at codon 159 of the CTF1 protein (p.Ala159Ser).